The following is an entry in ClinVar:

NM_000327.4(ROM1):c.326C>T (p.Ala109Val)

Gene: ROM1 (retinal outer segment membrane protein 1; plus strand). Cytogenetic location: 11q12.3.
Variant type: single nucleotide variant.
Coding change: c.326C>T on transcript NM_000327.4 (MANE Select); coding-DNA position 326, C replaced by T.
Protein change: p.Ala109Val; replaces alanine 109 with valine.
Molecular consequence: missense variant.
Genome position (GRCh38, 1-based): chr11:62,613,607, C>T. VCF-style: chr11-62613607-C-T. GRCh37 (hg19) VCF-style: chr11-62381079-C-T.
Other names: short protein forms A109V.
Identifiers: ClinVar variation 2014227 (VCV002014227.4), dbSNP rs1942949873, ClinGen allele CA380969367.

ClinVar aggregate classification (germline): Uncertain significance (1 of 4 stars; one submission).

Allele frequency attached by ClinVar (database versions not stated): gnomAD exomes below 0.00001; TOPMed below 0.00001.
gnomAD v4.1: 2 of 1,612,538 alleles (0.00012%); highest among the groups gnomAD compares: Non-Finnish European, 0.00017%; no homozygotes.

Submission:

Labcorp Genetics (formerly Invitae), Labcorp
Classification: Uncertain significance. Last evaluated: 2022-07-05. Review status: criteria provided, single submitter. Criteria: Invitae Variant Classification Sherloc (09022015). Collection method: clinical testing. Allele origin: germline.
Comment: In summary, the available evidence is currently insufficient to determine the role of this variant in disease. Therefore, it has been classified as a Variant of Uncertain Significance. Algorithms developed to predict the effect of missense changes on protein structure and function output the following: SIFT: "Tolerated"; PolyPhen-2: "Benign"; Align-GVGD: "Class C0". The valine amino acid residue is found in multiple mammalian species, which suggests that this missense change does not adversely affect protein function. This variant has not been reported in the literature in individuals affected with ROM1-related conditions. This variant is not present in population databases (gnomAD no frequency). This sequence change replaces alanine, which is neutral and non-polar, with valine, which is neutral and non-polar, at codon 109 of the ROM1 protein (p.Ala109Val).